The following is an entry in ClinVar:

NM_000481.4(AMT):c.870G>A (p.Trp290Ter)

Gene: AMT (aminomethyltransferase; minus strand). Cytogenetic location: 3p21.31.
Variant type: single nucleotide variant.
Coding change: c.870G>A on transcript NM_000481.4 (MANE Select); coding-DNA position 870, G replaced by A.
Protein change: p.Trp290Ter; replaces tryptophan 290 with a stop codon.
Molecular consequence: nonsense. On other transcripts: non-coding transcript variant (1).
Genome position (GRCh38, 1-based): chr3:49,418,978, C>T on the plus strand (G>A on the coding strand, the complement: AMT is on the minus strand). VCF-style: chr3-49418978-C-T. GRCh37 (hg19) VCF-style: chr3-49456411-C-T.
Other names: c.738G>A, p.Trp246Ter (NM_001164710.2); c.702G>A, p.Trp234Ter (NM_001164711.2); c.870G>A, p.Trp290Ter (NM_001164712.2); short protein forms W290*, W234*, W246*.
Identifiers: ClinVar variation 208562 (VCV000208562.5), dbSNP rs797045082, ClinGen allele CA275980.

ClinVar aggregate classification (germline): Pathogenic (1 of 4 stars; one submission).

Conditions:
Glycine encephalopathy. Also called: Non-ketotic hyperglycinemia; Nonketotic hyperglycinemia. Identifiers: Orphanet 407, MedGen C0751748, MONDO:0011612, HP:0008288.

Allele frequency attached by ClinVar (database versions not stated): gnomAD exomes below 0.00001.
gnomAD v4.1: 1 of 1,613,962 alleles (0.000062%); highest among the groups gnomAD compares: Non-Finnish European, 0.000085%; no homozygotes.

Submission:

Laboratory for Molecular Medicine, Mass General Brigham Personalized Medicine
Classification: Pathogenic for Non-ketotic hyperglycinemia. Last evaluated: 2014-10-16. Review status: criteria provided, single submitter. Criteria: LMM Criteria. Collection method: clinical testing. Allele origin: germline. Inheritance: Autosomal recessive inheritance. Observed: 1 variant allele. Study: CSER-MedSeq.
Comment: The Trp290X variant in AMT has not been previously reported in individuals with glycine encephalopathy or in large population studies. This nonsense variant leads to a premature termination codon at position 290 which is predicted to lead to a truncated or absent protein. Complete loss of AMT function is an established disease mechanism in glycine encephalopathy. In summary, this variant meets our criteria to be classified as pathogenic for glycine encephalopathy in a recessive manner.